The following is an entry in ClinVar:

ClinVar aggregate classification (germline): Uncertain significance (1 of 4 stars; one submission).

Conditions:
Charcot-Marie-Tooth disease type 2. Also called: Charcot-Marie-Tooth type 2. Identifiers: Orphanet 64746, MedGen C0270914, MONDO:0018993.

Submission:

Labcorp Genetics (formerly Invitae), Labcorp
Classification: Uncertain significance for Charcot-Marie-Tooth disease type 2. Last evaluated: 2022-08-16. Review status: criteria provided, single submitter. Criteria: Invitae Variant Classification Sherloc (09022015). Collection method: clinical testing. Allele origin: germline.
Comment: In summary, the available evidence is currently insufficient to determine the role of this variant in disease. Therefore, it has been classified as a Variant of Uncertain Significance. This sequence change replaces isoleucine, which is neutral and non-polar, with asparagine, which is neutral and polar, at codon 207 of the BSCL2 protein (p.Ile207Asn). This variant is not present in population databases (gnomAD no frequency). This variant has not been reported in the literature in individuals affected with BSCL2-related conditions. ClinVar contains an entry for this variant (Variation ID: 1378800). Algorithms developed to predict the effect of missense changes on protein structure and function (SIFT, PolyPhen-2, Align-GVGD) all suggest that this variant is likely to be disruptive.

NM_001122955.4(BSCL2):c.812T>A (p.Ile271Asn)

Genes: BSCL2 (BSCL2 lipid droplet biogenesis associated, seipin; minus strand), HNRNPUL2-BSCL2 (HNRNPUL2-BSCL2 readthrough (NMD candidate); minus strand). Cytogenetic location: 11q12.3.
Variant type: single nucleotide variant.
Coding change: c.812T>A on transcript NM_001122955.4 (MANE Select); coding-DNA position 812, T replaced by A.
Protein change: p.Ile271Asn; replaces isoleucine 271 with asparagine.
Molecular consequence: missense variant. On other transcripts: non-coding transcript variant (1).
Genome position (GRCh38, 1-based): chr11:62,692,427, A>T on the plus strand (T>A on the coding strand, the complement: BSCL2 is on the minus strand). VCF-style: chr11-62692427-A-T. GRCh37 (hg19) VCF-style: chr11-62459899-A-T.
Other names: c.620T>A, p.Ile207Asn (NM_001130702.2, NM_032667.6); c.812T>A, p.Ile271Asn (NM_001386027.1, NM_001386028.1); short protein forms I207N, I271N.
Identifiers: ClinVar variation 1378800 (VCV001378800.6), dbSNP rs2134695330, ClinGen allele CA380962133.